The following is an entry in ClinVar:

NM_001148.6(ANK2):c.598G>A (p.Ala200Thr)

Gene: ANK2 (ankyrin 2; plus strand). Cytogenetic location: 4q26.
Variant type: single nucleotide variant.
Coding change: c.598G>A on transcript NM_001148.6 (MANE Select); coding-DNA position 598, G replaced by A.
Protein change: p.Ala200Thr; replaces alanine 200 with threonine.
Molecular consequence: missense variant.
Genome position (GRCh38, 1-based): chr4:113,237,101, G>A. VCF-style: chr4-113237101-G-A. GRCh37 (hg19) VCF-style: chr4-114158257-G-A.
Other names: c.535G>A, p.Ala179Thr (NM_001127493.3, NM_001354239.2, NM_001354257.2 and 33 more transcripts); c.598G>A, p.Ala200Thr (NM_001354225.2, NM_001354228.2, NM_001354232.2 and 9 more transcripts); c.643G>A, p.Ala215Thr (NM_001354230.2, NM_001354231.2, NM_001354237.2 and 5 more transcripts); c.580G>A, p.Ala194Thr (NM_001354261.2, NM_001386147.1, NM_001386160.1); c.586G>A, p.Ala196Thr (NM_001386148.2, NM_001386186.2, NM_001386187.2 and 1 more transcripts); c.649G>A, p.Ala217Thr (NM_001386174.1, NM_001386175.1); short protein forms A194T, A200T, A179T, A196T, A215T, A217T.
Identifiers: ClinVar variation 1750890 (VCV001750890.6), dbSNP rs763603177, ClinGen allele CA103795834.
Genomic context (GRCh38, chr4:113,237,101, plus strand): 5'-GCCATCCTCTTGGAGAATGACACCAAAGGGAAAGTGAGGCTGCCAGCTCTGCATATTGCC[G>A]CTAGGAAAGACGACACCAAATCTGCCGCACTTCTGCTTCAGAATGACCACAATGCTGACG-3'
Protein context (NP_001139.3, residues 190-210): KVRLPALHIA[Ala200Thr]RKDDTKSAAL

ClinVar aggregate classification (germline): Uncertain significance. Review status: criteria provided, multiple submitters, no conflicts (2 of 4 stars). 2 submissions from 2 submitters: Uncertain significance (2). Last evaluated 2025-08-28.

Conditions:
Cardiovascular phenotype. Identifiers: MedGen CN230736.
Long QT syndrome (LQTS). Identifiers: MedGen C0023976, MeSH D008133, MONDO:0002442. Disease mechanism: loss of function. Inheritance: Various modes of inheritance.

Allele frequency attached by ClinVar (database versions not stated): TOPMed below 0.00001.

Submissions (2):

Ambry Genetics
Classification: Uncertain significance for Cardiovascular phenotype. Last evaluated: 2025-08-28. Review status: criteria provided, single submitter. Criteria: Ambry Variant Classification Scheme 2023. Collection method: clinical testing. Allele origin: germline.
Comment: The p.A200T variant (also known as c.598G>A), located in coding exon 6 of the ANK2 gene, results from a G to A substitution at nucleotide position 598. The alanine at codon 200 is replaced by threonine, an amino acid with similar properties. This amino acid position is highly conserved in available vertebrate species. In addition, this alteration is predicted to be deleterious by in silico analysis. Since supporting evidence is limited at this time, the clinical significance of this alteration remains unclear.

Labcorp Genetics (formerly Invitae), Labcorp
Classification: Uncertain significance for Long QT syndrome. Last evaluated: 2023-04-12. Review status: criteria provided, single submitter. Criteria: Invitae Variant Classification Sherloc (09022015). Collection method: clinical testing. Allele origin: germline.
Comment: In summary, the available evidence is currently insufficient to determine the role of this variant in disease. Therefore, it has been classified as a Variant of Uncertain Significance. Advanced modeling of protein sequence and biophysical properties (such as structural, functional, and spatial information, amino acid conservation, physicochemical variation, residue mobility, and thermodynamic stability) performed at Invitae indicates that this missense variant is not expected to disrupt ANK2 protein function. ClinVar contains an entry for this variant (Variation ID: 1750890). This variant has not been reported in the literature in individuals affected with ANK2-related conditions. This variant is not present in population databases (gnomAD no frequency). This sequence change replaces alanine, which is neutral and non-polar, with threonine, which is neutral and polar, at codon 200 of the ANK2 protein (p.Ala200Thr).